The following is an entry in ClinVar:

NM_005045.4(RELN):c.1183G>A (p.Gly395Arg)

Gene: RELN (reelin; minus strand). Cytogenetic location: 7q22.1.
Variant type: single nucleotide variant.
Coding change: c.1183G>A on transcript NM_005045.4 (MANE Select); coding-DNA position 1183, G replaced by A.
Protein change: p.Gly395Arg; replaces glycine 395 with arginine.
Molecular consequence: missense variant.
Genome position (GRCh38, 1-based): chr7:103,682,222, C>T on the plus strand (G>A on the coding strand, the complement: RELN is on the minus strand). VCF-style: chr7-103682222-C-T. GRCh37 (hg19) VCF-style: chr7-103322669-C-T.
Other names: c.1183G>A, p.Gly395Arg (NM_173054.3); short protein forms G395R.
Identifiers: ClinVar variation 4782499 (VCV004782499.1).

ClinVar aggregate classification (germline): Uncertain significance (1 of 4 stars; one submission).

Conditions:
Norman-Roberts syndrome (LIS2). Also called: Lissencephaly 2 (Norman-Roberts type). Identifiers: Orphanet 89844, MedGen C0796089, MONDO:0009760, OMIM 257320.
Familial temporal lobe epilepsy 7. Identifiers: Orphanet 101046, MedGen C4225327, MONDO:0014639, OMIM 616436.

Submission:

Labcorp Genetics (formerly Invitae), Labcorp
Classification: Uncertain significance for Familial temporal lobe epilepsy 7; Norman-Roberts syndrome. Last evaluated: 2025-12-01. Review status: criteria provided, single submitter. Criteria: Invitae Variant Classification Sherloc (09022015). Collection method: clinical testing. Allele origin: germline.
Comment: This sequence change replaces glycine, which is neutral and non-polar, with arginine, which is basic and polar, at codon 395 of the RELN protein (p.Gly395Arg). This variant is not present in population databases (gnomAD no frequency). This variant has not been reported in the literature in individuals affected with RELN-related conditions. Invitae Evidence Modeling of protein sequence and biophysical properties (such as structural, functional, and spatial information, amino acid conservation, physicochemical variation, residue mobility, and thermodynamic stability) indicates that this missense variant is not expected to disrupt RELN protein function with a negative predictive value of 80%. Algorithms developed to predict the effect of sequence changes on RNA splicing suggest that this variant may create or strengthen a splice site. In summary, the available evidence is currently insufficient to determine the role of this variant in disease. Therefore, it has been classified as a Variant of Uncertain Significance.